The following is an entry in ClinVar:

NM_001378457.1(DMXL2):c.6430C>T (p.Arg2144Ter)

Gene: DMXL2 (Dmx like 2; minus strand). Cytogenetic location: 15q21.2.
Variant type: single nucleotide variant.
Coding change: c.6430C>T on transcript NM_001378457.1 (MANE Select); coding-DNA position 6430, C replaced by T.
Protein change: p.Arg2144Ter; replaces arginine 2144 with a stop codon.
Molecular consequence: nonsense. On other transcripts: non-coding transcript variant (2).
Genome position (GRCh38, 1-based): chr15:51,480,676, G>A on the plus strand (C>T on the coding strand, the complement: DMXL2 is on the minus strand). VCF-style: chr15-51480676-G-A. GRCh37 (hg19) VCF-style: chr15-51772873-G-A.
Other names: c.6430C>T, p.Arg2144Ter (NM_001174116.3, NM_001378458.1, NM_001378459.1 and 4 more transcripts); c.4522C>T, p.Arg1508Ter (NM_001174117.3); c.4411C>T, p.Arg1471Ter (NM_001378460.1); c.6190C>T, p.Arg2064Ter (NM_001378464.1); short protein forms R2064*, R1508*, R1471*, R2144*.
Identifiers: ClinVar variation 1452030 (VCV001452030.6), dbSNP rs1372482877, ClinGen allele CA392443616.
Genomic context (GRCh38, chr15:51,480,676, plus strand): 5'-GGCTACAGTAGCTGAGAAATACTCTCAGGAGATCTTGGTTTTTCTGCAACCACGACTTTC[G>A]TCTTTCTGCATGCTCTCGTTTGGCCTGCAATCTTCTTCTTTCTATTTGATGGCGCTCATA-3'

ClinVar aggregate classification (germline): Pathogenic (1 of 4 stars; one submission).

gnomAD v4.1: 1 of 1,612,650 alleles (0.000062%); highest among the groups gnomAD compares: Non-Finnish European, 0.000085%; no homozygotes.

Submission:

Labcorp Genetics (formerly Invitae), Labcorp
Classification: Pathogenic. Last evaluated: 2024-06-23. Review status: criteria provided, single submitter. Criteria: Invitae Variant Classification Sherloc (09022015). Collection method: clinical testing. Allele origin: germline.
Comment: This sequence change creates a premature translational stop signal (p.Arg2144*) in the DMXL2 gene. It is expected to result in an absent or disrupted protein product. Loss-of-function variants in DMXL2 are known to be pathogenic (PMID: 30237576, 31688942). This variant is not present in population databases (gnomAD no frequency). This variant has not been reported in the literature in individuals affected with DMXL2-related conditions. ClinVar contains an entry for this variant (Variation ID: 1452030). For these reasons, this variant has been classified as Pathogenic.

Literature cited by the submitters: PubMed 30237576; PubMed 31688942.